The following is an entry in ClinVar:

ClinVar aggregate classification (germline): Conflicting classifications of pathogenicity. Review status: criteria provided, conflicting classifications (1 of 4 stars). 7 submissions from 7 submitters: Uncertain significance (1); Likely benign (3). 3 of the submissions do not count toward it. Last evaluated 2026-01-27.

Conditions:
ADAM9-related disorder. Also called: ADAM9-related condition.
Cone-rod dystrophy 9 (CORD9). Identifiers: Orphanet 1872, MedGen C1423873, MONDO:0013002, OMIM 612775.

Allele frequency attached by ClinVar (database versions not stated): 1000 Genomes Project 30x 0.00016; 1000 Genomes Project 0.00020; ExAC 0.00031; gnomAD exomes 0.00032 and 0.00059; TOPMed 0.00034; gnomAD 0.00039 and 0.00041; ESP Exome Variant Server 0.00085.
gnomAD v4.1: 916 of 1,613,814 alleles (0.057%); highest among the groups gnomAD compares: Non-Finnish European, 0.073%; 2 homozygotes.

Submissions (7):

Labcorp Genetics (formerly Invitae), Labcorp
Classification: Likely benign. Last evaluated: 2026-01-27. Review status: criteria provided, single submitter. Criteria: Invitae Variant Classification Sherloc (09022015). Collection method: clinical testing. Allele origin: germline.

Blueprint Genetics
Classification: Likely benign. Last evaluated: 2024-11-18. Review status: criteria provided, single submitter. Criteria: ACMG Guidelines, 2015. Collection method: clinical testing. Allele origin: germline.

CeGaT Center for Human Genetics Tuebingen
Classification: Likely benign. Last evaluated: 2024-09-01. Review status: criteria provided, single submitter. Criteria: CeGaT Center For Human Genetics Tuebingen Variant Classification Criteria Version 2. Collection method: clinical testing. Allele origin: germline. Affected: yes. Observed: 1 variant allele.
Comment: ADAM9: BP4, BP7

Illumina Laboratory Services, Illumina
Classification: Uncertain significance for Cone-rod dystrophy 9. Last evaluated: 2018-01-13. Review status: criteria provided, single submitter. Criteria: ICSL Variant Classification Criteria 13 December 2019. Collection method: clinical testing. Allele origin: germline.

PreventionGenetics, part of Exact Sciences
Classification: Likely benign for ADAM9-related condition. Last evaluated: 2020-12-16. Review status: no assertion criteria provided. Collection method: clinical testing. Allele origin: germline. Not counted in ClinVar's aggregate classification.
Comment: This variant is classified as likely benign based on ACMG/AMP sequence variant interpretation guidelines (Richards et al. 2015 PMID: 25741868, with internal and published modifications).

Clinical Genetics DNA and cytogenetics Diagnostics Lab, Erasmus MC, Erasmus Medical Center
Classification: Likely benign. Review status: no assertion criteria provided. Collection method: clinical testing. Allele origin: germline. Affected: yes. Study: VKGL Data-share Consensus. Not counted in ClinVar's aggregate classification.

Clinical Genetics, Academic Medical Center
Classification: Benign. Review status: no assertion criteria provided. Collection method: clinical testing. Allele origin: germline. Affected: yes. Study: VKGL Data-share Consensus. Not counted in ClinVar's aggregate classification.

NM_003816.3(ADAM9):c.2091C>T (p.Asp697=)

Gene: ADAM9 (ADAM metallopeptidase domain 9; plus strand). Cytogenetic location: 8p11.22.
Variant type: single nucleotide variant.
Coding change: c.2091C>T on transcript NM_003816.3 (MANE Select); coding-DNA position 2091, C replaced by T.
Protein change: p.Asp697=; no amino-acid change (aspartic acid 697 retained).
Molecular consequence: synonymous variant. On other transcripts: non-coding transcript variant (2).
Genome position (GRCh38, 1-based): chr8:39,090,069, C>T. VCF-style: chr8-39090069-C-T. GRCh37 (hg19) VCF-style: chr8-38947588-C-T.
Identifiers: ClinVar variation 729582 (VCV000729582.33), dbSNP rs138938731, ClinGen allele CA4721802.